The following is an entry in ClinVar:

ClinVar aggregate classification (germline): Benign/Likely benign. Review status: criteria provided, multiple submitters, no conflicts (2 of 4 stars). 3 submissions from 3 submitters: Benign (1); Likely benign (2). Last evaluated 2025-08-24.

Conditions:
Multiple endocrine neoplasia, type 2 (MEN2). Identifiers: Orphanet 653, MedGen C4048306, MONDO:0019003. Disease mechanism: gain of function.
Hereditary cancer-predisposing syndrome. Also called: Tumor predisposition; Hereditary Cancer Syndrome; Neoplastic Syndromes, Hereditary; Hereditary neoplastic syndrome. Identifiers: Orphanet 140162, MedGen C0027672, MeSH D009386, MONDO:0015356.
Multiple endocrine neoplasia type 2A. Also called: Multiple Endocrine Neoplasia Type 2A (MEN2A); MULTIPLE ENDOCRINE NEOPLASIA, TYPE IIA; PTC SYNDROME; SIPPLE SYNDROME; MEN 2A; MEN-2A syndrome. Identifiers: Orphanet 247698, Orphanet 653, MedGen C0025268, MeSH D018813, MONDO:0008234, OMIM 171400.

Submissions (3):

Labcorp Genetics (formerly Invitae), Labcorp
Classification: Likely benign for Multiple endocrine neoplasia, type 2. Last evaluated: 2025-08-24. Review status: criteria provided, single submitter. Criteria: Invitae Variant Classification Sherloc (09022015). Collection method: clinical testing. Allele origin: germline.

Myriad Genetics, Inc.
Classification: Benign for Multiple endocrine neoplasia type 2A. Last evaluated: 2025-02-27. Review status: criteria provided, single submitter. Criteria: Myriad Autosomal Dominant, Autosomal Recessive and X-Linked Classification Criteria (2023). Collection method: clinical testing. Allele origin: unknown.
Comment: This variant is considered benign. This variant is a silent/synonymous amino acid change and it is not expected to impact splicing.

Ambry Genetics
Classification: Likely benign for Hereditary cancer-predisposing syndrome. Last evaluated: 2020-08-05. Review status: criteria provided, single submitter. Criteria: Ambry Variant Classification Scheme 2023. Collection method: clinical testing. Allele origin: germline.

NM_020975.6(RET):c.2688C>T (p.Ser896=)

Gene: RET (ret proto-oncogene; plus strand). Cytogenetic location: 10q11.21.
Variant type: single nucleotide variant.
Coding change: c.2688C>T on transcript NM_020975.6 (MANE Select); coding-DNA position 2688, C replaced by T.
Protein change: p.Ser896=; no amino-acid change (serine 896 retained).
Molecular consequence: synonymous variant.
Genome position (GRCh38, 1-based): chr10:43,120,161, C>T. VCF-style: chr10-43120161-C-T. GRCh37 (hg19) VCF-style: chr10-43615609-C-T.
Other names: c.2688C>T, p.Ser896= (NM_000323.2, NM_001406743.1, NM_001406744.1 and 4 more transcripts); c.1926C>T, p.Ser642= (NM_001355216.2); c.2559C>T, p.Ser853= (NM_001406761.1, NM_001406762.1, NM_001406764.1); c.2553C>T, p.Ser851= (NM_001406763.1, NM_001406765.1); c.2400C>T, p.Ser800= (NM_001406766.1, NM_001406767.1, NM_001406770.1); c.2424C>T, p.Ser808= (NM_001406768.1); c.2292C>T, p.Ser764= (NM_001406769.1, NM_001406772.1); c.2250C>T, p.Ser750= (NM_001406771.1, NM_001406773.1); and 10 more.
Identifiers: ClinVar variation 1794750 (VCV001794750.10), dbSNP rs2132962713, ClinGen allele CA469028907.